The following is an entry in ClinVar:

ClinVar aggregate classification (germline): Pathogenic (1 of 4 stars; one submission).

Submission:

Labcorp Genetics (formerly Invitae), Labcorp
Classification: Pathogenic. Last evaluated: 2019-03-17. Review status: criteria provided, single submitter. Criteria: Invitae Variant Classification Sherloc (09022015). Collection method: clinical testing. Allele origin: germline.
Comment: This variant is a gross deletion of the genomic region encompassing exon 1 of the HPS3 gene, which includes the initiator codon. The 5' end of this event is unknown as it extends beyond the assayed region for this gene and therefore may encompass additional genes. The 3' boundary is likely confined to intron 1 of the HPS3 gene. This is expected to result in an absent or disrupted protein product. A similar deletion of exon 1 has been observed to segregate with Hermansky-Pudlak syndrome in a family (PMID: 11455388). Loss-of-function variants in HPS3 are known to be pathogenic (PMID: 11590544). For these reasons, this variant has been classified as Pathogenic.

Literature cited by the submitters: PubMed 11455388.

NC_000003.12:g.(?_149129724)_(149129940_?)del

Gene: HPS3 (HPS3 biogenesis of lysosomal organelles complex 2 subunit 1; plus strand). Cytogenetic location: 3q24.
Variant type: Deletion.
Identifiers: ClinVar variation 831930 (VCV000831930.1).